The following is an entry in ClinVar:

ClinVar aggregate classification (germline): Uncertain significance (1 of 4 stars; one submission).

Conditions:
Ataxia-telangiectasia syndrome (AT). Also called: LOUIS-BAR SYNDROME; Cerebello-oculocutaneous telangiectasia; Immunodeficiency with ataxia telangiectasia; ATAXIA-TELANGIECTASIA, COMPLEMENTATION GROUP A; ATAXIA-TELANGIECTASIA, FRESNO VARIANT; Ataxia-telangiectasia, complementation group D. Identifiers: Orphanet 100, MedGen C0004135, MONDO:0008840, OMIM 208900.

Submission:

Labcorp Genetics (formerly Invitae), Labcorp
Classification: Uncertain significance for Ataxia-telangiectasia syndrome. Last evaluated: 2024-06-06. Review status: criteria provided, single submitter. Criteria: Invitae Variant Classification Sherloc (09022015). Collection method: clinical testing. Allele origin: germline.
Comment: This sequence change replaces arginine, which is basic and polar, with lysine, which is basic and polar, at codon 533 of the ATM protein (p.Arg533Lys). This variant is not present in population databases (gnomAD no frequency). This variant has not been reported in the literature in individuals affected with ATM-related conditions. Algorithms developed to predict the effect of missense changes on protein structure and function output the following: SIFT: "Not Available"; PolyPhen-2: "Benign"; Align-GVGD: "Not Available". The lysine amino acid residue is found in multiple mammalian species, which suggests that this missense change does not adversely affect protein function. In summary, the available evidence is currently insufficient to determine the role of this variant in disease. Therefore, it has been classified as a Variant of Uncertain Significance.

NM_000051.4(ATM):c.1598G>A (p.Arg533Lys)

Gene: ATM (ATM serine/threonine kinase; plus strand). Cytogenetic location: 11q22.3.
Variant type: single nucleotide variant.
Coding change: c.1598G>A on transcript NM_000051.4 (MANE Select); coding-DNA position 1598, G replaced by A.
Protein change: p.Arg533Lys; replaces arginine 533 with lysine.
Molecular consequence: missense variant.
Genome position (GRCh38, 1-based): chr11:108,251,063, G>A. VCF-style: chr11-108251063-G-A. GRCh37 (hg19) VCF-style: chr11-108121790-G-A.
Other names: c.1598G>A, p.Arg533Lys (NM_001351834.2); short protein forms R533K.
Identifiers: ClinVar variation 3655733 (VCV003655733.2).